The following is an entry in ClinVar:

ClinVar aggregate classification (germline): Uncertain significance (1 of 4 stars; one submission).

Conditions:
Brugada syndrome 5 (BRGDA5). Identifiers: Orphanet 130, Orphanet 871, MedGen C2748541, MONDO:0013015, OMIM 612838.

Submission:

Labcorp Genetics (formerly Invitae), Labcorp
Classification: Uncertain significance for Brugada syndrome 5. Last evaluated: 2022-11-29. Review status: criteria provided, single submitter. Criteria: Invitae Variant Classification Sherloc (09022015). Collection method: clinical testing. Allele origin: germline.
Comment: In summary, the available evidence is currently insufficient to determine the role of this variant in disease. Therefore, it has been classified as a Variant of Uncertain Significance. Algorithms developed to predict the effect of missense changes on protein structure and function are either unavailable or do not agree on the potential impact of this missense change (SIFT: "Not Available"; PolyPhen-2: "Benign"; Align-GVGD: "Not Available"). ClinVar contains an entry for this variant (Variation ID: 847672). This variant has not been reported in the literature in individuals affected with SCN1B-related conditions. Information on the frequency of this variant in the gnomAD database is not available, as this variant may be reported differently in the database. This sequence change replaces serine, which is neutral and polar, with lysine, which is basic and polar, at codon 248 of the SCN1B protein (p.Ser248Lys).

NM_001037.5(SCN1B):c.448+295_448+296delinsAA

Gene: SCN1B (sodium voltage-gated channel beta subunit 1; plus strand). Cytogenetic location: 19q13.11.
Variant type: Indel.
Coding change: c.448+295_448+296delinsAA on transcript NM_001037.5 (MANE Select); bases 295 to 296 of the intron after coding-DNA position 448, GC replaced by AA.
Molecular consequence: intron variant. On other transcripts: missense variant (1).
Genome position (GRCh38, 1-based): chr19:35,034,034-35,034,035, GC replaced by AA. VCF-style: chr19-35034034-GC-AA. GRCh37 (hg19) VCF-style: chr19-35524938-GC-AA.
Other names: c.743_744delinsAA, p.Ser248Lys (NM_199037.5); c.349+295_349+296delinsAA (NM_001321605.2); short protein forms S248K.
Identifiers: ClinVar variation 847672 (VCV000847672.8), dbSNP rs2064232945, ClinGen allele CA916083692.